The following is an entry in ClinVar:

ClinVar aggregate classification (germline): Pathogenic (1 of 4 stars; one submission).

Conditions:
Greig cephalopolysyndactyly syndrome (GCPS). Also called: POLYSYNDACTYLY WITH PECULIAR SKULL SHAPE; Greig syndrome; GLI3-Related Greig Cephalopolysyndactyly Syndrome. Identifiers: Orphanet 380, MedGen C0265306, MONDO:0008287, OMIM 175700.
Pallister-Hall syndrome (PHS). Also called: HYPOTHALAMIC HAMARTOBLASTOMA, HYPOPITUITARISM, IMPERFORATE ANUS, AND POSTAXIAL POLYDACTYLY; GLI3-Related Pallister-Hall Syndrome. Identifiers: Orphanet 672, MedGen C0265220, MONDO:0007804, OMIM 146510.

Submission:

Labcorp Genetics (formerly Invitae), Labcorp
Classification: Pathogenic for Pallister-Hall syndrome; Greig cephalopolysyndactyly syndrome. Last evaluated: 2022-09-20. Review status: criteria provided, single submitter. Criteria: Invitae Variant Classification Sherloc (09022015). Collection method: clinical testing. Allele origin: germline.
Comment: For these reasons, this variant has been classified as Pathogenic. This variant has not been reported in the literature in individuals affected with GLI3-related conditions. This variant is not present in population databases (gnomAD no frequency). This sequence change creates a premature translational stop signal (p.Thr183Metfs*33) in the GLI3 gene. It is expected to result in an absent or disrupted protein product. Loss-of-function variants in GLI3 are known to be pathogenic (PMID: 10441570, 15739154, 18000979, 24736735).

Literature cited by the submitters: PubMed 10441570; PubMed 15739154; PubMed 18000979; PubMed 24736735.

NM_000168.6(GLI3):c.548del (p.Thr183fs)

Gene: GLI3 (GLI family zinc finger 3; minus strand). Cytogenetic location: 7p14.1.
Variant type: Deletion.
Coding change: c.548del on transcript NM_000168.6 (MANE Select); coding-DNA position 548, one base deleted (C; older notation c.548delC).
Protein change: p.Thr183fs; shifts the reading frame from threonine 183.
Molecular consequence: frameshift variant.
Genome position (GRCh38, 1-based): chr7:42,048,622, G deleted on the plus strand (C on the coding strand, the reverse complement: GLI3 is on the minus strand). VCF-style (leftmost placement, unchanged base first): chr7-42048621-AG-A. GRCh37 (hg19) VCF-style: chr7-42088220-AG-A.
Other names: short protein forms T183fs.
Identifiers: ClinVar variation 2031540 (VCV002031540.4), dbSNP rs2484717434, ClinGen allele CA2580077123.